The following is an entry in ClinVar:

ClinVar aggregate classification (germline): Uncertain significance. Review status: criteria provided, multiple submitters, no conflicts (2 of 4 stars). 2 submissions from 2 submitters: Uncertain significance (2). Last evaluated 2024-05-24.

Conditions:
Dilated cardiomyopathy 1HH (CMD1HH). Identifiers: Orphanet 154, MedGen C3151293, MONDO:0013479, OMIM 613881.
Myofibrillar myopathy 6. Identifiers: Orphanet 199340, MedGen C2751831, MONDO:0013061, OMIM 612954.

Allele frequency attached by ClinVar (database versions not stated): gnomAD exomes below 0.00001 and 0.00001; TOPMed below 0.00001.

Submissions (2):

Labcorp Genetics (formerly Invitae), Labcorp
Classification: Uncertain significance for Dilated cardiomyopathy 1HH; Myofibrillar myopathy 6. Last evaluated: 2024-05-24. Review status: criteria provided, single submitter. Criteria: Invitae Variant Classification Sherloc (09022015). Collection method: clinical testing. Allele origin: germline.
Comment: This sequence change replaces threonine, which is neutral and polar, with proline, which is neutral and non-polar, at codon 48 of the BAG3 protein (p.Thr48Pro). This variant is present in population databases (rs794728980, gnomAD 0.001%). This variant has not been reported in the literature in individuals affected with BAG3-related conditions. ClinVar contains an entry for this variant (Variation ID: 201685). An algorithm developed to predict the effect of missense changes on protein structure and function (PolyPhen-2) suggests that this variant is likely to be disruptive. In summary, the available evidence is currently insufficient to determine the role of this variant in disease. Therefore, it has been classified as a Variant of Uncertain Significance.

GeneDx
Classification: Uncertain significance. Last evaluated: 2014-05-02. Review status: criteria provided, single submitter. Criteria: GeneDx Variant Classification (06012015). Collection method: clinical testing. Allele origin: germline. Affected: yes.
Comment: p.Thr48Pro (ACG>CCG): c.142 A>C in exon 1 of the BAG3 gene (NM_004281.3). The T48P variant has not been published as a mutation, nor has it been reported as a benign polymorphism to our knowledge. The T48P variant was not observed in approximately 6500 individuals of European and African American ancestry in the NHLBI Exome Sequencing Project, indicating it is not a common benign variant in these populations. The T48P variant is a non-conservative amino acid substitution, which is likely to impact secondary protein structure as these residues differ in polarity, charge, size and/or other properties. This substitution occurs at a position that is conserved across species. In silico analysis predicts this variant is probably damaging to the protein structure/function. Mutations in nearby residues have not been reported in association with cardiomyopathy, indicating this region of the protein may tolerate change. Therefore, based on the currently available information, it is unclear whether this variant is a pathogenic mutation or a rare benign variant. The variant is found in CARDIOMYOPATHY panel(s).

NM_004281.4(BAG3):c.142A>C (p.Thr48Pro)

Gene: BAG3 (BAG cochaperone 3; plus strand). Cytogenetic location: 10q26.11.
Variant type: single nucleotide variant.
Coding change: c.142A>C on transcript NM_004281.4 (MANE Select); coding-DNA position 142, A replaced by C.
Protein change: p.Thr48Pro; replaces threonine 48 with proline.
Molecular consequence: missense variant.
Genome position (GRCh38, 1-based): chr10:119,651,817, A>C. VCF-style: chr10-119651817-A-C. GRCh37 (hg19) VCF-style: chr10-121411329-A-C.
Other names: p.T48P:ACG>CCG; short protein forms T48P.
Identifiers: ClinVar variation 201685 (VCV000201685.8), dbSNP rs794728980, ClinGen allele CA308242.
Genomic context (GRCh38, chr10:119,651,817, plus strand): 5'-ATCAAGATCGACCCGCAGACCGGCTGGCCCTTCTTCGTGGACCACAACAGCCGCACCACT[A>C]CGTGGAACGACCCGCGCGTGCCCTCTGAGGGCCCCAAGGTGAGCCGGGCCCGCGGCCCGC-3'
Protein context (NP_004272.2, residues 38-58): FFVDHNSRTT[Thr48Pro]WNDPRVPSEG